The following is an entry in ClinVar:

ClinVar aggregate classification (germline): Uncertain significance (1 of 4 stars; one submission).

Conditions:
Neuromuscular disease caused by qualitative or quantitative defects of dysferlin. Also called: Dysferlinopathy; Qualitative or quantitative defects of dysferlin. Identifiers: Orphanet 207073, MedGen C2931687, MONDO:0016145.

Allele frequency attached by ClinVar (database versions not stated): TOPMed below 0.00001; ExAC 0.00001.
gnomAD v4.1: 15 of 1,613,808 alleles (0.00093%); highest among the groups gnomAD compares: Non-Finnish European, 0.0013%; no homozygotes.

Submission:

Labcorp Genetics (formerly Invitae), Labcorp
Classification: Uncertain significance for Neuromuscular disease caused by qualitative or quantitative defects of dysferlin. Last evaluated: 2022-03-20. Review status: criteria provided, single submitter. Criteria: Invitae Variant Classification Sherloc (09022015). Collection method: clinical testing. Allele origin: germline.
Comment: This sequence change replaces isoleucine, which is neutral and non-polar, with methionine, which is neutral and non-polar, at codon 1018 of the DYSF protein (p.Ile1018Met). This variant is present in population databases (rs368033221, gnomAD 0.0009%). This variant has not been reported in the literature in individuals affected with DYSF-related conditions. Advanced modeling of protein sequence and biophysical properties (such as structural, functional, and spatial information, amino acid conservation, physicochemical variation, residue mobility, and thermodynamic stability) performed at Invitae indicates that this missense variant is not expected to disrupt DYSF protein function. In summary, the available evidence is currently insufficient to determine the role of this variant in disease. Therefore, it has been classified as a Variant of Uncertain Significance.

NM_001130987.2(DYSF):c.3108C>G (p.Ile1036Met)

Gene: DYSF (dysferlin; plus strand). Cytogenetic location: 2p13.2.
Variant type: single nucleotide variant.
Coding change: c.3108C>G on transcript NM_001130987.2 (MANE Select); coding-DNA position 3108, C replaced by G.
Protein change: p.Ile1036Met; replaces isoleucine 1036 with methionine.
Molecular consequence: missense variant.
Genome position (GRCh38, 1-based): chr2:71,570,621, C>G. VCF-style: chr2-71570621-C-G. GRCh37 (hg19) VCF-style: chr2-71797751-C-G.
Other names: c.3057C>G, p.Ile1019Met (NM_001130455.2, NM_001130983.2); c.3012C>G, p.Ile1004Met (NM_001130976.2, NM_001130977.2); c.3054C>G, p.Ile1018Met (NM_001130978.2, NM_003494.4); c.3147C>G, p.Ile1049Met (NM_001130979.2); c.3105C>G, p.Ile1035Met (NM_001130980.2, NM_001130981.2); c.3150C>G, p.Ile1050Met (NM_001130982.2); c.3015C>G, p.Ile1005Met (NM_001130984.2, NM_001130986.2); c.3108C>G, p.Ile1036Met (NM_001130985.2); short protein forms I1005M, I1004M, I1019M, I1035M, I1050M, I1018M, I1049M, I1036M.
Identifiers: ClinVar variation 2182380 (VCV002182380.1), dbSNP rs368033221, ClinGen allele CA1706428.